The following is an entry in ClinVar:

NM_000103.4(CYP19A1):c.187G>A (p.Gly63Ser)

Genes: CYP19A1 (cytochrome P450 family 19 subfamily A member 1; minus strand), MIR4713HG (MIR4713 host gene; plus strand), PIRC66 (piwi-interacting RNA cluster 66; plus strand). Cytogenetic location: 15q21.2.
Variant type: single nucleotide variant.
Coding change: c.187G>A on transcript NM_000103.4 (MANE Select); coding-DNA position 187, G replaced by A.
Protein change: p.Gly63Ser; replaces glycine 63 with serine.
Molecular consequence: missense variant.
Genome position (GRCh38, 1-based): chr15:51,236,968, C>T on the plus strand (G>A on the coding strand, the complement: CYP19A1 is on the minus strand). VCF-style: chr15-51236968-C-T. GRCh37 (hg19) VCF-style: chr15-51529165-C-T.
Other names: c.187G>A, p.Gly63Ser (NM_001347248.1, NM_001347249.2, NM_001347250.2 and 7 more transcripts); short protein forms G63S.
Identifiers: ClinVar variation 2199225 (VCV002199225.2), dbSNP rs750143398, ClinGen allele CA7560140.

ClinVar aggregate classification (germline): Uncertain significance (1 of 4 stars; one submission).

Allele frequency attached by ClinVar (database versions not stated): ExAC 0.00002; gnomAD 0.00002; TOPMed 0.00002.
gnomAD v4.1: 25 of 1,614,008 alleles (0.0015%); highest among the groups gnomAD compares: Admixed American, 0.023%; no homozygotes.

Submissions (2):

Labcorp Genetics (formerly Invitae), Labcorp
Classification: Uncertain significance. Last evaluated: 2022-07-15. Review status: criteria provided, single submitter. Criteria: Invitae Variant Classification Sherloc (09022015). Collection method: clinical testing. Allele origin: germline.
Comment: This sequence change replaces glycine, which is neutral and non-polar, with serine, which is neutral and polar, at codon 63 of the CYP19A1 protein (p.Gly63Ser). This variant is present in population databases (rs750143398, gnomAD 0.03%). This variant has not been reported in the literature in individuals affected with CYP19A1-related conditions. Algorithms developed to predict the effect of missense changes on protein structure and function (SIFT, PolyPhen-2, Align-GVGD) all suggest that this variant is likely to be tolerated. Algorithms developed to predict the effect of sequence changes on RNA splicing suggest that this variant may create or strengthen a splice site. In summary, the available evidence is currently insufficient to determine the role of this variant in disease. Therefore, it has been classified as a Variant of Uncertain Significance.

Dr. Peter K. Rogan Lab, Western University
No classification provided (evidence only). Condition: Cervical cancer. Review status: no classification provided. Collection method: in vitro. Allele origin: not applicable. Functional consequence: retained intron. Not counted in ClinVar's aggregate classification.